The following is an entry in ClinVar:

NM_005879.3(TRAIP):c.313G>A (p.Asp105Asn)

Gene: TRAIP (TRAF interacting protein; minus strand). Cytogenetic location: 3p21.31.
Variant type: single nucleotide variant.
Coding change: c.313G>A on transcript NM_005879.3 (MANE Select); coding-DNA position 313, G replaced by A.
Protein change: p.Asp105Asn; replaces aspartic acid 105 with asparagine.
Molecular consequence: missense variant.
Genome position (GRCh38, 1-based): chr3:49,843,896, C>T on the plus strand (G>A on the coding strand, the complement: TRAIP is on the minus strand). VCF-style: chr3-49843896-C-T. GRCh37 (hg19) VCF-style: chr3-49881329-C-T.
Other names: short protein forms D105N.
Identifiers: ClinVar variation 1974712 (VCV001974712.5), dbSNP rs1223758990, ClinGen allele CA352838987.

ClinVar aggregate classification (germline): Uncertain significance (1 of 4 stars; one submission).

Allele frequency attached by ClinVar (database versions not stated): gnomAD 0.00001.
gnomAD v4.1: 6 of 1,611,872 alleles (0.00037%); highest among the groups gnomAD compares: African/African-American, 0.0013%; no homozygotes.

Submission:

Labcorp Genetics (formerly Invitae), Labcorp
Classification: Uncertain significance. Last evaluated: 2022-08-15. Review status: criteria provided, single submitter. Criteria: Invitae Variant Classification Sherloc (09022015). Collection method: clinical testing. Allele origin: germline.
Comment: This variant has not been reported in the literature in individuals affected with TRAIP-related conditions. This variant is present in population databases (no rsID available, gnomAD 0.0009%). This sequence change replaces aspartic acid, which is acidic and polar, with asparagine, which is neutral and polar, at codon 105 of the TRAIP protein (p.Asp105Asn). Algorithms developed to predict the effect of missense changes on protein structure and function (SIFT, PolyPhen-2, Align-GVGD) all suggest that this variant is likely to be tolerated. In summary, the available evidence is currently insufficient to determine the role of this variant in disease. Therefore, it has been classified as a Variant of Uncertain Significance.